The following is an entry in ClinVar:

ClinVar aggregate classification (germline): Uncertain significance (1 of 4 stars; one submission).

Allele frequency attached by ClinVar (database versions not stated): gnomAD exomes below 0.00001.
gnomAD v4.1: 1 of 1,200,625 alleles (0.000083%); highest among the groups gnomAD compares: Non-Finnish European, 0.00011%; no homozygotes.

Submission:

Labcorp Genetics (formerly Invitae), Labcorp
Classification: Uncertain significance. Last evaluated: 2022-08-23. Review status: criteria provided, single submitter. Criteria: Invitae Variant Classification Sherloc (09022015). Collection method: clinical testing. Allele origin: germline.
Comment: This sequence change replaces serine, which is neutral and polar, with tyrosine, which is neutral and polar, at codon 648 of the CACNA1F protein (p.Ser648Tyr). This variant is not present in population databases (gnomAD no frequency). This variant has not been reported in the literature in individuals affected with CACNA1F-related conditions. Algorithms developed to predict the effect of missense changes on protein structure and function are either unavailable or do not agree on the potential impact of this missense change (SIFT: "Deleterious"; PolyPhen-2: "Probably Damaging"; Align-GVGD: "Class C0"). In summary, the available evidence is currently insufficient to determine the role of this variant in disease. Therefore, it has been classified as a Variant of Uncertain Significance.

NM_001256789.3(CACNA1F):c.1910C>A (p.Ser637Tyr)

Gene: CACNA1F (calcium voltage-gated channel subunit alpha1 F; minus strand). Cytogenetic location: Xp11.23.
Variant type: single nucleotide variant.
Coding change: c.1910C>A on transcript NM_001256789.3 (MANE Select); coding-DNA position 1910, C replaced by A.
Protein change: p.Ser637Tyr; replaces serine 637 with tyrosine.
Molecular consequence: missense variant.
Genome position (GRCh38, 1-based): chrX:49,223,104, G>T on the plus strand (C>A on the coding strand, the complement: CACNA1F is on the minus strand). VCF-style: chrX-49223104-G-T. GRCh37 (hg19) VCF-style: chrX-49079563-G-T.
Other names: c.1748C>A, p.Ser583Tyr (NM_001256790.3); c.1943C>A, p.Ser648Tyr (NM_005183.4); short protein forms S583Y, S648Y, S637Y.
Identifiers: ClinVar variation 2083796 (VCV002083796.4), dbSNP rs1391071589, ClinGen allele CA412912842.